The following is an entry in ClinVar:

NM_021098.3(CACNA1H):c.4007C>A (p.Thr1336Lys)

Gene: CACNA1H (calcium voltage-gated channel subunit alpha1 H; plus strand). Cytogenetic location: 16p13.3.
Variant type: single nucleotide variant.
Coding change: c.4007C>A on transcript NM_021098.3 (MANE Select); coding-DNA position 4007, C replaced by A.
Protein change: p.Thr1336Lys; replaces threonine 1336 with lysine.
Molecular consequence: missense variant.
Genome position (GRCh38, 1-based): chr16:1,210,620, C>A. VCF-style: chr16-1210620-C-A. GRCh37 (hg19) VCF-style: chr16-1260620-C-A.
Other names: c.4007C>A, p.Thr1336Lys (NM_001005407.2); short protein forms T1336K.
Identifiers: ClinVar variation 934249 (VCV000934249.10), dbSNP rs370725735, ClinGen allele CA7801075.

ClinVar aggregate classification (germline): Uncertain significance. Review status: criteria provided, multiple submitters, no conflicts (2 of 4 stars). 2 submissions from 2 submitters: Uncertain significance (2). Last evaluated 2023-11-13.

Conditions:
Idiopathic generalized epilepsy. Also called: Generalised epilepsy; EIG. Identifiers: MedGen C0270850, MONDO:0005579, OMIM 600669.
Hyperaldosteronism, familial, type IV (HALD4). Also called: FH IV; ALDOSTERONISM, PRIMARY, AND HYPERTENSION. Identifiers: Orphanet 642671, MedGen C4310756, MONDO:0014875, OMIM 617027.
Epilepsy, childhood absence, susceptibility to, 6. Identifiers: Orphanet 64280, MedGen C2749872, MONDO:0012763, OMIM 611942.

Allele frequency attached by ClinVar (database versions not stated): TOPMed 0.00005; ESP Exome Variant Server 0.00016.
gnomAD v4.1: 101 of 1,606,684 alleles (0.0063%); highest among the groups gnomAD compares: Non-Finnish European, 0.0084%; no homozygotes.

Submissions (2):

Labcorp Genetics (formerly Invitae), Labcorp
Classification: Uncertain significance for Idiopathic generalized epilepsy; Hyperaldosteronism, familial, type IV. Last evaluated: 2023-11-13. Review status: criteria provided, single submitter. Criteria: Invitae Variant Classification Sherloc (09022015). Collection method: clinical testing. Allele origin: germline.
Comment: This sequence change replaces threonine, which is neutral and polar, with lysine, which is basic and polar, at codon 1336 of the CACNA1H protein (p.Thr1336Lys). This variant is present in population databases (rs370725735, gnomAD 0.004%). This variant has not been reported in the literature in individuals affected with CACNA1H-related conditions. ClinVar contains an entry for this variant (Variation ID: 934249). Advanced modeling of protein sequence and biophysical properties (such as structural, functional, and spatial information, amino acid conservation, physicochemical variation, residue mobility, and thermodynamic stability) performed at Invitae indicates that this missense variant is expected to disrupt CACNA1H protein function with a positive predictive value of 80%. In summary, the available evidence is currently insufficient to determine the role of this variant in disease. Therefore, it has been classified as a Variant of Uncertain Significance.

Fulgent Genetics
Classification: Uncertain significance for Epilepsy, childhood absence, susceptibility to, 6; Hyperaldosteronism, familial, type IV. Last evaluated: 2022-04-30. Review status: criteria provided, single submitter. Criteria: ACMG Guidelines, 2015. Collection method: clinical testing. Allele origin: unknown.